The following is an entry in ClinVar:

NM_001754.5(RUNX1):c.276_277insCGCCCC (p.Thr92_Asp93insArgPro)

Gene: RUNX1 (RUNX family transcription factor 1; minus strand). Cytogenetic location: 21q22.12.
Variant type: Microsatellite.
Coding change: c.276_277insCGCCCC on transcript NM_001754.5 (MANE Select); coding-DNA positions 276 to 277, CGCCCC inserted.
Protein change: p.Thr92_Asp93insArgPro.
Molecular consequence: inframe insertion.
Genome position: GRCh38 VCF-style: chr21-34886917-C-CGGGGCG. GRCh37 (hg19) VCF-style: chr21-36259214-C-CGGGGCG.
Other names: c.195_196insCGCCCC, p.Thr65_Asp66insArgPro (NM_001001890.3, NM_001122607.2).
Identifiers: ClinVar variation 4717488 (VCV004717488.1).

ClinVar aggregate classification (germline): Uncertain significance (1 of 4 stars; one submission).

Conditions:
Hereditary thrombocytopenia and hematological cancer predisposition syndrome associated with RUNX1. Also called: Familial Platelet Disorder with Propensity to Acute Myelogenous Leukemia; Familial thrombocytopenia with propensity to acute myelogenous leukemia; PLATELET DISORDER, ASPIRIN-LIKE; RUNX1 Familial Platelet Disorder with Associated Myeloid Malignancies. Identifiers: Orphanet 71290, MedGen C1832388, MeSH C563324, MONDO:0100083, OMIM 601399.

Submission:

Labcorp Genetics (formerly Invitae), Labcorp
Classification: Uncertain significance for Hereditary thrombocytopenia and hematological cancer predisposition syndrome associated with RUNX1. Last evaluated: 2025-04-13. Review status: criteria provided, single submitter. Criteria: Invitae Variant Classification Sherloc (09022015). Collection method: clinical testing. Allele origin: germline.
Comment: This variant, c.276_277insCGCCCC, results in the insertion of 2 amino acid(s) of the RUNX1 protein (p.Thr92_Asp93insArgPro), but otherwise preserves the integrity of the reading frame. This variant is not present in population databases (gnomAD no frequency). This variant has not been reported in the literature in individuals affected with RUNX1-related conditions. Experimental studies and prediction algorithms are not available or were not evaluated, and the functional significance of this variant is currently unknown. In summary, the available evidence is currently insufficient to determine the role of this variant in disease. Therefore, it has been classified as a Variant of Uncertain Significance.